The following is an entry in ClinVar:

NM_002474.3(MYH11):c.3954G>C (p.Gln1318His)

Genes: NDE1 (nudE neurodevelopment protein 1; plus strand), MYH11 (myosin heavy chain 11; minus strand). Cytogenetic location: 16p13.11.
Variant type: single nucleotide variant.
Coding change: c.3954G>C on transcript NM_002474.3 (MANE Select); coding-DNA position 3954, G replaced by C.
Protein change: p.Gln1318His; replaces glutamine 1318 with histidine.
Molecular consequence: missense variant. On other transcripts: 3 prime UTR variant (2).
Genome position (GRCh38, 1-based): chr16:15,724,897, C>G on the plus strand (G>C on the coding strand, the complement: MYH11 is on the minus strand). VCF-style: chr16-15724897-C-G. GRCh37 (hg19) VCF-style: chr16-15818754-C-G.
Other names: c.3975G>C, p.Gln1325His (NM_001040113.2, NM_001040114.2); c.3954G>C, p.Gln1318His (NM_022844.3); c.*646C>G (NM_001143979.2, NM_017668.3); short protein forms Q1318H, Q1325H.
Identifiers: ClinVar variation 3070155 (VCV003070155.1), dbSNP rs2506145054, ClinGen allele CA394858808.

ClinVar aggregate classification (germline): Uncertain significance (1 of 4 stars; one submission).

Conditions:
Familial thoracic aortic aneurysm and aortic dissection (TAAD). Also called: Thoracic aortic aneurysms and dissections. Identifiers: Orphanet 91387, MedGen C4707243, MONDO:0019625.

Submission:

All of Us Research Program, National Institutes of Health
Classification: Uncertain significance for Familial thoracic aortic aneurysm and aortic dissection. Last evaluated: 2023-04-03. Review status: criteria provided, single submitter. Criteria: ACMG Guidelines, 2015. Collection method: clinical testing. Allele origin: germline. Inheritance: Autosomal dominant inheritance. Observed: 1 variant allele, 1 heterozygote.
Comment: This missense variant replaces glutamine with histidine at codon 1325 of the MYH11 protein. Computational prediction suggests that this variant may not impact protein structure and function (internally defined REVEL score threshold <= 0.5, PMID: 27666373). To our knowledge, functional studies have not been reported for this variant. This variant has not been reported in individuals affected with MYH11-related disorders in the literature. This variant has not been identified in the general population by the Genome Aggregation Database (gnomAD). The available evidence is insufficient to determine the role of this variant in disease conclusively. Therefore, this variant is classified as a Variant of Uncertain Significance.

This study involves interpretation of variants in research participants for the purpose of population health screening. Participant phenotype was not available at the time of variant classification. Additional details can be found in publication PMID: 35346344, PMCID: PMC8962531